The following is an entry in ClinVar:

ClinVar aggregate classification (germline): Conflicting classifications of pathogenicity. Review status: criteria provided, conflicting classifications (1 of 4 stars). 2 submissions from 2 submitters: Uncertain significance (1); Likely benign (1). Last evaluated 2025-11-19.

Conditions:
Inborn genetic diseases. Identifiers: MedGen C0950123, MeSH D030342.
Fanconi anemia (FA). Also called: Fanconi's anemia. Identifiers: Orphanet 84, MedGen C0015625, MeSH D005199, MONDO:0019391.

gnomAD v4.1: 2 of 1,613,950 alleles (0.00012%); highest among the groups gnomAD compares: East Asian, 0.0022%; no homozygotes.

Submissions (2):

Ambry Genetics
Classification: Likely benign for Inborn genetic diseases. Last evaluated: 2025-11-19. Review status: criteria provided, single submitter. Criteria: Ambry Variant Classification Scheme 2023. Collection method: clinical testing. Allele origin: germline.

Labcorp Genetics (formerly Invitae), Labcorp
Classification: Uncertain significance for Fanconi anemia. Last evaluated: 2025-03-31. Review status: criteria provided, single submitter. Criteria: Invitae Variant Classification Sherloc (09022015). Collection method: clinical testing. Allele origin: germline.
Comment: This sequence change replaces isoleucine, which is neutral and non-polar, with valine, which is neutral and non-polar, at codon 111 of the FANCA protein (p.Ile111Val). This variant is not present in population databases (gnomAD no frequency). This variant has not been reported in the literature in individuals affected with FANCA-related conditions. Invitae Evidence Modeling of protein sequence and biophysical properties (such as structural, functional, and spatial information, amino acid conservation, physicochemical variation, residue mobility, and thermodynamic stability) indicates that this missense variant is not expected to disrupt FANCA protein function with a negative predictive value of 95%. In summary, the available evidence is currently insufficient to determine the role of this variant in disease. Therefore, it has been classified as a Variant of Uncertain Significance.

NM_000135.4(FANCA):c.331A>G (p.Ile111Val)

Gene: FANCA (FA complementation group A; minus strand). Cytogenetic location: 16q24.3.
Variant type: single nucleotide variant.
Coding change: c.331A>G on transcript NM_000135.4 (MANE Select); coding-DNA position 331, A replaced by G.
Protein change: p.Ile111Val; replaces isoleucine 111 with valine.
Molecular consequence: missense variant.
Genome position (GRCh38, 1-based): chr16:89,811,024, T>C on the plus strand (A>G on the coding strand, the complement: FANCA is on the minus strand). VCF-style: chr16-89811024-T-C. GRCh37 (hg19) VCF-style: chr16-89877432-T-C.
Other names: c.331A>G, p.Ile111Val (NM_001018112.3, NM_001286167.3, NM_001351830.2); short protein forms I111V.
Identifiers: ClinVar variation 4619284 (VCV004619284.2).
Genomic context (GRCh38, chr16:89,811,024, plus strand): 5'-TCTCCGCTGGAGCCGTGCAGATCTGTCCCACGCTAGAGGCAACCATCCCGGCTGAGAGAA[T>C]ACCCACGGGAACCCCCAGCCTTGAGGCTTGATCCTGCAAAGCAGAGCCTTAAACACAAAA-3'
Protein context (NP_000126.2, residues 101-121): QASRLGVPVG[Ile111Val]LSAGMVASSV